The following is an entry in ClinVar:

NM_022725.4(FANCF):c.504_505delinsAT (p.Glu168_Leu169=)

Gene: FANCF (FA complementation group F; minus strand). Cytogenetic location: 11p14.3.
Variant type: Indel.
Coding change: c.504_505delinsAT on transcript NM_022725.4 (MANE Select); coding-DNA positions 504 to 505, GC replaced by AT.
Protein change: p.Glu168_Leu169=.
Molecular consequence: synonymous variant.
Genome position (GRCh38, 1-based): chr11:22,625,306-22,625,307, GC replaced by AT on the plus strand (GC replaced by AT on the coding strand, the reverse complement: FANCF is on the minus strand). VCF-style: chr11-22625306-GC-AT. GRCh37 (hg19) VCF-style: chr11-22646852-GC-AT.
Identifiers: ClinVar variation 2894057 (VCV002894057.3), dbSNP rs2494866425, ClinGen allele CA2739270376.
Genomic context (GRCh38, chr11:22,625,306, plus strand): 5'-GAAACCTGGCGGGACGCTCCGCTTCGGCCTTCCCCACCTCCTGCAGACGCTCCAGCAGCA[GC>AT]TCCGCCTGGGTCTTCATCAGAGAGTCCTCCTGGAGATTTGGGTTCTCTCTATAGCCATTG-3'

ClinVar aggregate classification (germline): Uncertain significance (1 of 4 stars; one submission).

Conditions:
Fanconi anemia (FA). Also called: Fanconi's anemia. Identifiers: Orphanet 84, MedGen C0015625, MeSH D005199, MONDO:0019391.

Submission:

Labcorp Genetics (formerly Invitae), Labcorp
Classification: Uncertain significance for Fanconi anemia. Last evaluated: 2023-12-12. Review status: criteria provided, single submitter. Criteria: Invitae Variant Classification Sherloc (09022015). Collection method: clinical testing. Allele origin: germline.
Comment: This sequence change affects codon 168 of the FANCF mRNA. It is a 'silent' change, meaning that it does not change the encoded amino acid sequence of the FANCF protein. Information on the frequency of this variant in the gnomAD database is not available, as this variant may be reported differently in the database. This variant has not been reported in the literature in individuals affected with FANCF-related conditions. Experimental studies and prediction algorithms are not available or were not evaluated, and the effect of this variant on mRNA splicing is currently unknown. In summary, the available evidence is currently insufficient to determine the role of this variant in disease. Therefore, it has been classified as a Variant of Uncertain Significance.